The following is an entry in ClinVar:

NM_001845.6(COL4A1):c.1536+1G>A

Gene: COL4A1 (collagen type IV alpha 1 chain; minus strand). Cytogenetic location: 13q34.
Variant type: single nucleotide variant.
Coding change: c.1536+1G>A on transcript NM_001845.6 (MANE Select); the canonical splice donor site of the intron after coding-DNA position 1536, G replaced by A.
Molecular consequence: splice donor variant.
Genome position (GRCh38, 1-based): chr13:110,192,213, C>T on the plus strand (G>A on the coding strand, the complement: COL4A1 is on the minus strand). VCF-style: chr13-110192213-C-T. GRCh37 (hg19) VCF-style: chr13-110844560-C-T.
Other names: c.1536+1G>A (NM_001303110.2).
Identifiers: ClinVar variation 3061119 (VCV003061119.2), dbSNP rs2501538404, ClinGen allele CA388723312.
Genomic context (GRCh38, chr13:110,192,213, plus strand): 5'-TCTGTCCACGTGCTTGGTGGCAACTTCTGATATGTACATGAACTCAGACAGGTTTACTTA[C>T]TGGCACTCCTGCAACACCATCTCTGCCAGGCAAACCTCTGTCGCCCTTGGCCCCTGGCTG-3'

ClinVar aggregate classification (germline): Likely pathogenic (0 of 4 stars; one submission).

Conditions:
COL4A1-related disorder. Also called: COL4A1-related disorders; COL4A1-related condition. Identifiers: MedGen CN376119, MONDO:0800461.

Submission:

PreventionGenetics, part of Exact Sciences
Classification: Likely pathogenic for COL4A1-related condition. Last evaluated: 2024-02-01. Review status: no assertion criteria provided. Collection method: clinical testing. Allele origin: germline.
Comment: The COL4A1 c.1536+1G>A variant is predicted to disrupt the GT donor site and interfere with normal splicing. To our knowledge, this variant has not been reported in the literature or in a large population database, indicating this variant is rare. Variants that disrupt the consensus splice donor site in COL4A1 are expected to be pathogenic. This variant is interpreted as likely pathogenic.